The following is an entry in ClinVar:

NM_000183.3(HADHB):c.209C>T (p.Ser70Leu)

Gene: HADHB (hydroxyacyl-CoA dehydrogenase trifunctional multienzyme complex subunit beta; plus strand). Cytogenetic location: 2p23.3.
Variant type: single nucleotide variant.
Coding change: c.209C>T on transcript NM_000183.3 (MANE Select); coding-DNA position 209, C replaced by T.
Protein change: p.Ser70Leu; replaces serine 70 with leucine.
Molecular consequence: missense variant.
Genome position (GRCh38, 1-based): chr2:26,263,479, C>T. VCF-style: chr2-26263479-C-T. GRCh37 (hg19) VCF-style: chr2-26486347-C-T.
Other names: c.209C>T, p.Ser70Leu (NM_001281512.2); c.143C>T, p.Ser48Leu (NM_001281513.2); short protein forms S70L, S48L.
Identifiers: ClinVar variation 4989618 (VCV004989618.1).
Genomic context (GRCh38, chr2:26,263,479, plus strand): 5'-ATATAAGGAATGTTGTGGTGGTGGATGGTGTTCGCACTCCATTTTTGCTGTCTGGCACTT[C>T]GTAAGTATGACATGATCATATTATTTTTTTCCTTCTTTTAAGACACTTTCAAAAGTAGTC-3'
Protein context (NP_000174.1, residues 60-80): VRTPFLLSGT[Ser70Leu]YKDLMPHDLA

ClinVar aggregate classification (germline): Uncertain significance (1 of 4 stars; one submission).

Conditions:
HADHB-related disorder. Also called: HADHB-related condition.

gnomAD v4.1: 26 of 1,548,126 alleles (0.0017%); highest among the groups gnomAD compares: African/African-American, 0.02%; no homozygotes.

Submission:

PreventionGenetics, part of Exact Sciences
Classification: Uncertain significance for HADHB-related condition. Last evaluated: 2025-10-28. Review status: criteria provided, single submitter. Criteria: ACMG Guidelines, 2015. Collection method: clinical testing. Allele origin: germline.
Comment: The HADHB c.209C>T variant is predicted to result in the amino acid substitution p.Ser70Leu. To our knowledge, this variant has not been reported in the literature. An alternate missense change at the same amino acid position (c.208T>C, p.Ser70Pro) has been reported along with a second HADHB variant in an individual with a HADHB-related disorder. has been reported in an individual This variant is reported in 0.024% of alleles in individuals of African descent in gnomAD. At this time, the clinical significance of this variant is uncertain due to the absence of conclusive functional and genetic evidence.